The following is an entry in ClinVar:

ClinVar aggregate classification (germline): Conflicting classifications of pathogenicity. Review status: criteria provided, conflicting classifications (1 of 4 stars). 3 submissions from 3 submitters: Uncertain significance (1); Likely benign (1). 1 of the submissions does not count toward it. Last evaluated 2025-10-12.

Conditions:
PLEC-related disorder. Also called: PLEC-related condition; PLEC-related disorders.
Epidermolysis bullosa simplex 5B, with muscular dystrophy (EBS5B). Also called: EPIDERMOLYSIS BULLOSA SIMPLEX AND LIMB-GIRDLE MUSCULAR DYSTROPHY; Epidermolysis bullosa simplex with muscular dystrophy. Identifiers: Orphanet 257, MedGen C2931072, MONDO:0009181, OMIM 226670.
Epidermolysis bullosa simplex with nail dystrophy (EBS5D). Identifiers: MedGen C4225309, MONDO:0014661, OMIM 616487.
Autosomal recessive limb-girdle muscular dystrophy type 2Q (LGMDR17). Also called: MUSCULAR DYSTROPHY, LIMB-GIRDLE, AUTOSOMAL RECESSIVE 17. Identifiers: Orphanet 254361, MedGen C3150989, MONDO:0013390, OMIM 613723.
Epidermolysis bullosa simplex 5C, with pyloric atresia (EBS5C). Also called: PLEC1-Related Epidermolysis Bullosa with Pyloric Atresia; PLEC-Related Epidermolysis Bullosa with Pyloric Atresia; Epidermolysis bullosa simplex with pyloric atresia. Identifiers: Orphanet 158684, MedGen C2677349, MONDO:0012807, OMIM 612138.
Epidermolysis bullosa simplex, Ogna type (EBS5A). Also called: Pidermolysis bullosa simplex 5A, Ogna type; EPIDERMOLYSIS BULLOSA SIMPLEX 5A, OGNA TYPE. Identifiers: Orphanet 79401, MedGen C0432317, MONDO:0007555, OMIM 131950.

Allele frequency attached by ClinVar (database versions not stated): gnomAD 0.00004; TOPMed 0.00004; gnomAD exomes 0.00005.
gnomAD v4.1: 71 of 1,567,116 alleles (0.0045%); highest among the groups gnomAD compares: Admixed American, 0.0056%; no homozygotes.

Submissions (3):

Labcorp Genetics (formerly Invitae), Labcorp
Classification: Likely benign for Autosomal recessive limb-girdle muscular dystrophy type 2Q; Epidermolysis bullosa simplex, Ogna type; Epidermolysis bullosa simplex with nail dystrophy; Epidermolysis bullosa simplex 5C, with pyloric atresia; Epidermolysis bullosa simplex 5B, with muscular dystrophy. Last evaluated: 2025-10-12. Review status: criteria provided, single submitter. Criteria: Invitae Variant Classification Sherloc (09022015). Collection method: clinical testing. Allele origin: germline.

Eurofins Ntd Llc (ga)
Classification: Uncertain significance. Last evaluated: 2015-08-24. Review status: criteria provided, single submitter. Criteria: EGL Classification Definitions 2015. Collection method: clinical testing. Allele origin: germline. Observed: 1 variant allele, 1 heterozygote.

PreventionGenetics, part of Exact Sciences
Classification: Likely benign for PLEC-related condition. Last evaluated: 2023-06-20. Review status: no assertion criteria provided. Collection method: clinical testing. Allele origin: germline. Not counted in ClinVar's aggregate classification.
Comment: This variant is classified as likely benign based on ACMG/AMP sequence variant interpretation guidelines (Richards et al. 2015 PMID: 25741868, with internal and published modifications).

NM_201384.3(PLEC):c.11421C>T (p.Gly3807=)

Gene: PLEC (plectin; minus strand). Cytogenetic location: 8q24.3.
Variant type: single nucleotide variant.
Coding change: c.11421C>T on transcript NM_201384.3 (MANE Select); coding-DNA position 11421, C replaced by T.
Protein change: p.Gly3807=; no amino-acid change (glycine 3807 retained).
Molecular consequence: synonymous variant.
Genome position (GRCh38, 1-based): chr8:143,918,400, G>A on the plus strand (C>T on the coding strand, the complement: PLEC is on the minus strand). VCF-style: chr8-143918400-G-A. GRCh37 (hg19) VCF-style: chr8-144992568-G-A.
Other names: c.11502C>T (NM_000445.4); c.11502C>T, p.Gly3834= (NM_000445.5); c.11379C>T, p.Gly3793= (NM_201378.4); c.11355C>T, p.Gly3785= (NM_201379.3); c.11832C>T, p.Gly3944= (NM_201380.4); c.11325C>T, p.Gly3775= (NM_201381.3); c.11421C>T, p.Gly3807= (NM_201382.4); c.11433C>T, p.Gly3811= (NM_201383.3).
Identifiers: ClinVar variation 282874 (VCV000282874.15), dbSNP rs782144786, ClinGen allele CA4924355.